The following is an entry in ClinVar:

ClinVar aggregate classification (germline): Uncertain significance (1 of 4 stars; one submission).

Conditions:
THBS1-related disorder. Also called: THBS1-related condition.

gnomAD v4.1: 1 of 1,614,100 alleles (0.000062%); highest among the groups gnomAD compares: Non-Finnish European, 0.000085%; no homozygotes.

Submission:

PreventionGenetics, part of Exact Sciences
Classification: Uncertain significance for THBS1-related condition. Last evaluated: 2026-05-28. Review status: criteria provided, single submitter. Criteria: ACMG Guidelines, 2015. Collection method: clinical testing. Allele origin: germline.
Comment: The THBS1 c.1402C>G variant is predicted to result in the amino acid substitution p.Gln468Glu. To our knowledge, this variant has not been reported in the literature or in a large population database (gnomAD), indicating this variant is rare. At this time, the clinical significance of this variant is uncertain due to the absence of conclusive functional and genetic evidence.

NM_003246.4(THBS1):c.1402C>G (p.Gln468Glu)

Gene: THBS1 (thrombospondin 1; plus strand). Cytogenetic location: 15q14.
Variant type: single nucleotide variant.
Coding change: c.1402C>G on transcript NM_003246.4 (MANE Select); coding-DNA position 1402, C replaced by G.
Protein change: p.Gln468Glu; replaces glutamine 468 with glutamic acid.
Molecular consequence: missense variant.
Genome position (GRCh38, 1-based): chr15:39,588,149, C>G. VCF-style: chr15-39588149-C-G. GRCh37 (hg19) VCF-style: chr15-39880350-C-G.
Other names: short protein forms Q468E.
Identifiers: ClinVar variation 4996450 (VCV004996450.1).